The following is an entry in ClinVar:

NM_004268.5(MED17):c.479T>A (p.Leu160Ter)

Gene: MED17 (mediator complex subunit 17; plus strand). Cytogenetic location: 11q21.
Variant type: single nucleotide variant.
Coding change: c.479T>A on transcript NM_004268.5 (MANE Select); coding-DNA position 479, T replaced by A.
Protein change: p.Leu160Ter; replaces leucine 160 with a stop codon.
Molecular consequence: nonsense.
Genome position (GRCh38, 1-based): chr11:93,790,635, T>A. VCF-style: chr11-93790635-T-A. GRCh37 (hg19) VCF-style: chr11-93523801-T-A.
Other names: short protein forms L160*.
Identifiers: ClinVar variation 4057639 (VCV004057639.2).

ClinVar aggregate classification (germline): Likely pathogenic (1 of 4 stars; one submission).

Conditions:
Infantile cerebral and cerebellar atrophy with postnatal progressive microcephaly (MSBA). Identifiers: Orphanet 402364, MedGen C3150921, MONDO:0013351, OMIM 613668.

Submission:

Natera, Inc.
Classification: Likely pathogenic for Postnatal progressive microcephaly with seizures and brain atrophy. Last evaluated: 2025-01-18. Review status: criteria provided, single submitter. Criteria: Natera Variant Classification Schema (03/2026). Collection method: clinical testing. Allele origin: germline.
Comment: The c.479T>A variant in MED17 is a nonsense variant predicted to introduce a stop codon at amino acid 160. This variant is expected to result in nonsense mediated decay, truncation, or a dysfunctional protein product. This variant is rare in the general population with a frequency below the threshold expected for the associated phenotype(s). Given the available evidence, this variant is classified as Likely Pathogenic.